The following is an entry in ClinVar:

ClinVar aggregate classification (germline): Uncertain significance (1 of 4 stars; one submission).

Conditions:
POLD1-related polyposis and colorectal cancer syndrome (CRCS10). Also called: Colorectal cancer 10; COLORECTAL CANCER, SUSCEPTIBILITY TO, ON CHROMOSOME 19q; Colorectal cancer, susceptibility to, 10. Identifiers: Orphanet 220460, MedGen C2675481, MONDO:0012953, OMIM 612591.

Submission:

Labcorp Genetics (formerly Invitae), Labcorp
Classification: Uncertain significance for POLD1-related polyposis and colorectal cancer syndrome. Last evaluated: 2022-10-07. Review status: criteria provided, single submitter. Criteria: Invitae Variant Classification Sherloc (09022015). Collection method: clinical testing. Allele origin: unknown.
Comment: In summary, the available evidence is currently insufficient to determine the role of this variant in disease. Therefore, it has been classified as a Variant of Uncertain Significance. This variant has not been reported in the literature in individuals affected with POLD1-related conditions. This variant is a gross deletion of the genomic region encompassing exon(s) 2-17 of the POLD1 gene, which includes the initiator codon. This deletion extends beyond the assayed region for this gene and therefore may encompass additional genes. Missense variants that disrupt the 3'-5' exonuclease (proof-reading) activity of the POLD1 protein are associated with PPAP (polymerase proofreading‚Äìassociated polyposis) (PMID: 23263490, 23447401). However, loss-of-function variants that result in an absent or severely disrupted POLD1 protein, and missense variants outside the exonuclease domain, are unlikely to be associated with PPAP.

Literature cited by the submitters: PubMed 23263490; PubMed 23447401.

NC_000019.9:g.(?_50902109)_(50912943_?)del

Gene: POLD1 (DNA polymerase delta 1, catalytic subunit; plus strand). Cytogenetic location: 19q13.33.
Variant type: Deletion.
Identifiers: ClinVar variation 3248469 (VCV003248469.1).